The following is an entry in ClinVar:

ClinVar aggregate classification (germline): Likely benign (1 of 4 stars; one submission).

Submission:

CeGaT Center for Human Genetics Tuebingen
Classification: Likely benign. Last evaluated: 2026-08-01. Review status: criteria provided, single submitter. Criteria: CeGaT Center For Human Genetics Tuebingen Variant Classification Criteria Version 2. Collection method: clinical testing. Allele origin: germline. Affected: yes. Observed: 7 variant alleles.
Comment: FMN2: BP4, BP7

NM_020066.5(FMN2):c.3447G>A (p.Val1149=)

Gene: FMN2 (formin 2; plus strand). Cytogenetic location: 1q43.
Variant type: single nucleotide variant.
Coding change: c.3447G>A on transcript NM_020066.5 (MANE Select); coding-DNA position 3447, G replaced by A.
Protein change: p.Val1149=; no amino-acid change (valine 1149 retained).
Molecular consequence: synonymous variant. On other transcripts: intron variant (1).
Genome position (GRCh38, 1-based): chr1:240,208,259, G>A. VCF-style: chr1-240208259-G-A. GRCh37 (hg19) VCF-style: chr1-240371559-G-A.
Other names: c.3459G>A, p.Val1153= (NM_001305424.2); c.1986+19997G>A (NM_001348094.2).
Identifiers: ClinVar variation 3898384 (VCV003898384.7).